The following is an entry in ClinVar:

NM_014679.5(CEP57):c.1010C>T (p.Ser337Phe)

Gene: CEP57 (centrosomal protein 57; plus strand). Cytogenetic location: 11q21.
Variant type: single nucleotide variant.
Coding change: c.1010C>T on transcript NM_014679.5 (MANE Select); coding-DNA position 1010, C replaced by T.
Protein change: p.Ser337Phe; replaces serine 337 with phenylalanine.
Molecular consequence: missense variant.
Genome position (GRCh38, 1-based): chr11:95,827,910, C>T. VCF-style: chr11-95827910-C-T. GRCh37 (hg19) VCF-style: chr11-95561074-C-T.
Other names: c.983C>T, p.Ser328Phe (NM_001243776.2); c.932C>T, p.Ser311Phe (NM_001243777.2); c.929C>T, p.Ser310Phe (NM_001363604.2); short protein forms S311F, S328F, S310F, S337F.
Identifiers: ClinVar variation 4001058 (VCV004001058.1).

ClinVar aggregate classification (germline): Uncertain significance (1 of 4 stars; one submission).

Conditions:
Inborn genetic diseases. Identifiers: MedGen C0950123, MeSH D030342.

Submission:

Ambry Genetics
Classification: Uncertain significance for Inborn genetic diseases. Last evaluated: 2025-05-20. Review status: criteria provided, single submitter. Criteria: Ambry Variant Classification Scheme 2023. Collection method: clinical testing. Allele origin: germline.
Comment: The p.S337F variant (also known as c.1010C>T), located in coding exon 9 of the CEP57 gene, results from a C to T substitution at nucleotide position 1010. The serine at codon 337 is replaced by phenylalanine, an amino acid with highly dissimilar properties. This amino acid position is conserved. In addition, this alteration is predicted to be tolerated by in silico analysis. Based on the available evidence, the clinical significance of this variant remains unclear.